The following is an entry in ClinVar:

NM_000553.6(WRN):c.164A>G (p.Tyr55Cys)

Gene: WRN (WRN RecQ like helicase; plus strand). Cytogenetic location: 8p12.
Variant type: single nucleotide variant.
Coding change: c.164A>G on transcript NM_000553.6 (MANE Select); coding-DNA position 164, A replaced by G.
Protein change: p.Tyr55Cys; replaces tyrosine 55 with cysteine.
Molecular consequence: missense variant.
Genome position (GRCh38, 1-based): chr8:31,059,220, A>G. VCF-style: chr8-31059220-A-G. GRCh37 (hg19) VCF-style: chr8-30916736-A-G.
Other names: short protein forms Y55C.
Identifiers: ClinVar variation 2184994 (VCV002184994.1), dbSNP rs2487269800, ClinGen allele CA370912568.

ClinVar aggregate classification (germline): Uncertain significance (1 of 4 stars; one submission).

Conditions:
Werner syndrome (WRN). Identifiers: Orphanet 902, MedGen C0043119, MONDO:0010196, OMIM 277700.

Submission:

Labcorp Genetics (formerly Invitae), Labcorp
Classification: Uncertain significance for Werner syndrome. Last evaluated: 2022-02-17. Review status: criteria provided, single submitter. Criteria: Invitae Variant Classification Sherloc (09022015). Collection method: clinical testing. Allele origin: germline.
Comment: This sequence change replaces tyrosine, which is neutral and polar, with cysteine, which is neutral and slightly polar, at codon 55 of the WRN protein (p.Tyr55Cys). This variant is not present in population databases (gnomAD no frequency). This variant has not been reported in the literature in individuals affected with WRN-related conditions. Algorithms developed to predict the effect of missense changes on protein structure and function are either unavailable or do not agree on the potential impact of this missense change (SIFT: "Not Available"; PolyPhen-2: "Probably Damaging"; Align-GVGD: "Not Available"). In summary, the available evidence is currently insufficient to determine the role of this variant in disease. Therefore, it has been classified as a Variant of Uncertain Significance.